The following is an entry in ClinVar:

ClinVar aggregate classification (germline): Pathogenic (1 of 4 stars; one submission).

Submission:

Labcorp Genetics (formerly Invitae), Labcorp
Classification: Pathogenic. Last evaluated: 2022-10-17. Review status: criteria provided, single submitter. Criteria: Invitae Variant Classification Sherloc (09022015). Collection method: clinical testing. Allele origin: germline.
Comment: For these reasons, this variant has been classified as Pathogenic. Algorithms developed to predict the effect of sequence changes on RNA splicing suggest that this variant may create or strengthen a splice site. ClinVar contains an entry for this variant (Variation ID: 948915). This variant has not been reported in the literature in individuals affected with CDH23-related conditions. This variant is not present in population databases (gnomAD no frequency). This sequence change creates a premature translational stop signal (p.Phe890Tyrfs*13) in the CDH23 gene. It is expected to result in an absent or disrupted protein product. Loss-of-function variants in CDH23 are known to be pathogenic (PMID: 11138009, 21940737).

Literature cited by the submitters: PubMed 11138009; PubMed 21940737.

NM_022124.6(CDH23):c.2665_2668dup (p.Phe890fs)

Gene: CDH23 (cadherin related 23; plus strand). Cytogenetic location: 10q22.1.
Variant type: Duplication.
Coding change: c.2665_2668dup on transcript NM_022124.6 (MANE Select); coding-DNA positions 2665 to 2668, 4 bases duplicated (ACCT; older notation c.2665_2668dupACCT).
Protein change: p.Phe890fs; shifts the reading frame from phenylalanine 890.
Molecular consequence: frameshift variant.
Genome position (GRCh38, 1-based): chr10:71,702,626-71,702,629, ACCT duplicated. VCF-style (leftmost placement, unchanged base first): chr10-71702625-C-CACCT. GRCh37 (hg19) VCF-style: chr10-73462382-C-CACCT.
Other names: c.2665_2668dup, p.Phe890fs (NM_001171930.2, NM_001171931.2); short protein forms F890fs.
Identifiers: ClinVar variation 948915 (VCV000948915.7), dbSNP rs1865634253, ClinGen allele CA1139661497.
Genomic context (GRCh38, chr10:71,702,625, plus strand): 5'-GAAAGCCACCAGCAGTGCCACAGTGTTTGTGAACCTCTTGGATCTCAATGACAATGACCC[C>CACCT]ACCTTTCAGAACCTGCCTTTTGTGGCCGAGGTGCTTGAAGGCATCCCGGCGGGGGTCTCC-3'